The following is an entry in ClinVar:

NM_001385001.1(MCTP2):c.2427del (p.Ile810fs)

Gene: MCTP2 (multiple C2 and transmembrane domain containing 2; plus strand). Cytogenetic location: 15q26.2.
Variant type: Deletion.
Coding change: c.2427del on transcript NM_001385001.1 (MANE Select); coding-DNA position 2427, one base deleted (C; older notation c.2427delC).
Protein change: p.Ile810fs; shifts the reading frame from isoleucine 810.
Molecular consequence: frameshift variant. On other transcripts: non-coding transcript variant (7).
Genome position (GRCh38, 1-based): chr15:94,470,399, C deleted. VCF-style (leftmost placement, unchanged base first): chr15-94470398-TC-T. GRCh37 (hg19) VCF-style: chr15-95013627-TC-T.
Other names: c.2262del, p.Ile755fs (NM_001159643.2, NM_001385004.1); c.2427del, p.Ile810fs (NM_001385002.1, NM_001385003.1, NM_018349.4); c.2385del, p.Ile796fs (NM_001385005.1); c.2304del, p.Ile769fs (NM_001385006.1); c.2145del, p.Ile716fs (NM_001385007.1); c.1929del, p.Ile644fs (NM_001385009.1); c.1764del, p.Ile589fs (NM_001385010.1); c.2427delC (NM_001385001.1); short protein forms I589fs, I644fs, I716fs, I755fs, I769fs, I796fs, I810fs.
Identifiers: ClinVar variation 2443071 (VCV002443071.1), dbSNP rs768581375, ClinGen allele CA7750454.
Genomic context (GRCh38, chr15:94,470,398, plus strand): 5'-TTAACTGGACGGTCCCCTTCCTTTCATCTCTGGCCTGTTTGATTCTGGCAGCAGCCACCA[TC>T]ATTTTGTATTTCATTCCACTGCGGTACATCATTTTAATCTGGGGTAAGTTTGGAATGGTC-3'

ClinVar aggregate classification (germline): Uncertain significance (1 of 4 stars; one submission).

Allele frequency attached by ClinVar (database versions not stated): ExAC 0.00001; gnomAD 0.00001; gnomAD exomes 0.00001; TOPMed 0.00002.

Submission:

Johns Hopkins Genomics, Johns Hopkins University
Classification: Uncertain significance. Last evaluated: 2022-10-26. Review status: criteria provided, single submitter. Criteria: ACMG Guidelines, 2015. Collection method: clinical testing. Allele origin: germline.
Comment: This MCTP2 variant is absent from a large population dataset and has not been reported in ClinVar or the literature, to our knowledge. This frameshift variant in exon 20 results in a premature termination codon (PTC) likely leading to nonsense-mediated decay and lack of protein production. Due to limited evidence supporting a gene-disease relationship between MCTP2 and TAAD, we consider the clinical significance of c.2427delC (p.Ile809fs) to be uncertain at this time.

Literature cited by the submitters: PubMed 23773997; PubMed 34150014; PubMed 34878133.